The following is an entry in ClinVar:

ClinVar aggregate classification (germline): Uncertain significance (1 of 4 stars; one submission).

Allele frequency attached by ClinVar (database versions not stated): gnomAD exomes 0.00001; gnomAD 0.00002; TOPMed 0.00002; ESP Exome Variant Server 0.00008.
gnomAD v4.1: 14 of 1,613,846 alleles (0.00087%); highest among the groups gnomAD compares: East Asian, 0.0045%; no homozygotes.

Submission:

Labcorp Genetics (formerly Invitae), Labcorp
Classification: Uncertain significance. Last evaluated: 2023-03-24. Review status: criteria provided, single submitter. Criteria: Invitae Variant Classification Sherloc (09022015). Collection method: clinical testing. Allele origin: germline.
Comment: This sequence change replaces isoleucine, which is neutral and non-polar, with valine, which is neutral and non-polar, at codon 290 of the TAOK2 protein (p.Ile290Val). This variant is present in population databases (rs149797802, gnomAD 0.0009%). This variant has not been reported in the literature in individuals affected with TAOK2-related conditions. An algorithm developed to predict the effect of missense changes on protein structure and function (PolyPhen-2) suggests that this variant is likely to be tolerated. In summary, the available evidence is currently insufficient to determine the role of this variant in disease. Therefore, it has been classified as a Variant of Uncertain Significance.

NM_016151.4(TAOK2):c.868A>G (p.Ile290Val)

Gene: TAOK2 (TAO kinase 2; plus strand). Cytogenetic location: 16p11.2.
Variant type: single nucleotide variant.
Coding change: c.868A>G on transcript NM_016151.4 (MANE Select); coding-DNA position 868, A replaced by G.
Protein change: p.Ile290Val; replaces isoleucine 290 with valine.
Molecular consequence: missense variant.
Genome position (GRCh38, 1-based): chr16:29,982,770, A>G. VCF-style: chr16-29982770-A-G. GRCh37 (hg19) VCF-style: chr16-29994091-A-G.
Other names: c.868A>G, p.Ile290Val (NM_001252043.2, NM_004783.4); short protein forms I290V.
Identifiers: ClinVar variation 2828537 (VCV002828537.3), dbSNP rs149797802, ClinGen allele CA280434440.